The following is an entry in ClinVar:

NM_002582.4(PARN):c.1624C>T (p.Gln542Ter)

Gene: PARN (poly(A)-specific ribonuclease; minus strand). Cytogenetic location: 16p13.12.
Variant type: single nucleotide variant.
Coding change: c.1624C>T on transcript NM_002582.4 (MANE Select); coding-DNA position 1624, C replaced by T.
Protein change: p.Gln542Ter; replaces glutamine 542 with a stop codon.
Molecular consequence: nonsense.
Genome position (GRCh38, 1-based): chr16:14,482,684, G>A on the plus strand (C>T on the coding strand, the complement: PARN is on the minus strand). VCF-style: chr16-14482684-G-A. GRCh37 (hg19) VCF-style: chr16-14576541-G-A.
Other names: c.1441C>T, p.Gln481Ter (NM_001134477.3); c.1486C>T, p.Gln496Ter (NM_001242992.2); short protein forms Q481*, Q496*, Q542*.
Identifiers: ClinVar variation 1394752 (VCV001394752.6), dbSNP rs745696590, ClinGen allele CA278954412.

ClinVar aggregate classification (germline): Pathogenic (1 of 4 stars; one submission).

Conditions:
Dyskeratosis congenita, autosomal recessive 6 (DKCB6). Identifiers: MedGen C4225356, MONDO:0014600, OMIM 616353.
Pulmonary fibrosis and/or bone marrow failure, Telomere-related, 4. Also called: PULMONARY FIBROSIS AND/OR BONE MARROW FAILURE SYNDROME, TELOMERE-RELATED, 4. Identifiers: Orphanet 2032, MedGen C4225347, MONDO:0014612, OMIM 616371.

Allele frequency attached by ClinVar (database versions not stated): gnomAD exomes below 0.00001.
gnomAD v4.1: 1 of 1,613,702 alleles (0.000062%); no homozygotes.

Submission:

Labcorp Genetics (formerly Invitae), Labcorp
Classification: Pathogenic for Dyskeratosis congenita, autosomal recessive 6; Pulmonary fibrosis and/or bone marrow failure, Telomere-related, 4. Last evaluated: 2022-06-13. Review status: criteria provided, single submitter. Criteria: Invitae Variant Classification Sherloc (09022015). Collection method: clinical testing. Allele origin: germline.
Comment: This sequence change creates a premature translational stop signal (p.Gln542*) in the PARN gene. It is expected to result in an absent or disrupted protein product. Loss-of-function variants in PARN are known to be pathogenic (PMID: 9736620, 25848748, 26810774). This variant is present in population databases (rs745696590, gnomAD 0.004%). For these reasons, this variant has been classified as Pathogenic. This variant has not been reported in the literature in individuals affected with PARN-related conditions.

Literature cited by the submitters: PubMed 9736620; PubMed 25848748; PubMed 26810774.